The following is an entry in ClinVar:

NM_001829.4(CLCN3):c.117A>G (p.Gln39=)

Gene: CLCN3 (chloride voltage-gated channel 3; plus strand). Cytogenetic location: 4q33.
Variant type: single nucleotide variant.
Coding change: c.117A>G on transcript NM_001829.4 (MANE Select); coding-DNA position 117, A replaced by G.
Protein change: p.Gln39=; no amino-acid change (glutamine 39 retained).
Molecular consequence: synonymous variant.
Genome position (GRCh38, 1-based): chr4:169,636,045, A>G. VCF-style: chr4-169636045-A-G. GRCh37 (hg19) VCF-style: chr4-170557196-A-G.
Other names: c.117A>G, p.Gln39= (NM_001243372.2, NM_173872.4).
Identifiers: ClinVar variation 3350350 (VCV003350350.1).

ClinVar aggregate classification (germline): Likely benign (0 of 4 stars; one submission).

Conditions:
CLCN3-related disorder. Also called: CLCN3-related condition.

Submission:

PreventionGenetics, part of Exact Sciences
Classification: Likely benign for CLCN3-related condition. Last evaluated: 2024-04-25. Review status: no assertion criteria provided. Collection method: clinical testing. Allele origin: germline.
Comment: This variant is classified as likely benign based on ACMG/AMP sequence variant interpretation guidelines (Richards et al. 2015 PMID: 25741868, with internal and published modifications).